The following is an entry in ClinVar:

NM_001195518.2(MICU1):c.1072-1G>C

Gene: MICU1 (mitochondrial calcium uptake 1; minus strand). Cytogenetic location: 10q22.1.
Variant type: single nucleotide variant.
Coding change: c.1072-1G>C on transcript NM_001195518.2 (MANE Select); the canonical splice acceptor site of the intron before coding-DNA position 1072, G replaced by C.
Molecular consequence: splice acceptor variant.
Genome position (GRCh38, 1-based): chr10:72,408,038, C>G on the plus strand (G>C on the coding strand, the complement: MICU1 is on the minus strand). VCF-style: chr10-72408038-C-G. GRCh37 (hg19) VCF-style: chr10-74167796-C-G.
Other names: IVS9AS, G-C, -1; c.1078-1G>C (NM_006077.4); c.1090-1G>C (NM_001363513.2); c.478-1G>C (NM_001195519.2).
Identifiers: ClinVar variation 101045 (VCV000101045.8), dbSNP rs754639936, ClinGen allele CA5550074.

ClinVar aggregate classification (germline): Pathogenic. Review status: criteria provided, multiple submitters, no conflicts (2 of 4 stars). 4 submissions from 4 submitters: Pathogenic (3). 1 of the submissions does not count toward it. Last evaluated 2024-02-01.

Conditions:
Proximal myopathy with extrapyramidal signs. Also called: Myopathy with extrapyramidal signs. Identifiers: Orphanet 401768, MedGen C3810285, MONDO:0014300, OMIM 615673.

Allele frequency attached by ClinVar (database versions not stated): gnomAD below 0.00001 and 0.00001; TOPMed below 0.00001; gnomAD exomes 0.00002 and 0.00005; ExAC 0.00007.
gnomAD v4.1: 36 of 1,607,628 alleles (0.0022%); highest among the groups gnomAD compares: South Asian, 0.035%; no homozygotes.

Submissions (4):

Neuberg Centre For Genomic Medicine, NCGM
Classification: Pathogenic for Proximal myopathy with extrapyramidal signs. Last evaluated: 2024-02-01. Review status: criteria provided, single submitter. Criteria: ACMG Guidelines, 2015. Collection method: clinical testing. Allele origin: germline. Inheritance: Autosomal recessive inheritance. Affected: yes.
Comment: The splice acceptor c.1072-1G>C variant in the MICU1 gene has been reported previously in homozygous state in affected individuals. Loss of function variants has been previously reported to be disease causing (Logan et al., 2014). For the abovementioned reasons, this variant has been classified as Pathogenic.

GeneDx
Classification: Pathogenic. Last evaluated: 2022-01-20. Review status: criteria provided, single submitter. Criteria: GeneDx Variant Classification Process June 2021. Collection method: clinical testing. Allele origin: germline. Affected: yes.
Comment: Canonical splice site variant predicted to result in a null allele in a gene for which loss-of-function is a known mechanism of disease; This variant is associated with the following publications: (PMID: 24336167, 28132899)

Lifecell International Pvt. Ltd
Classification: Pathogenic for Proximal myopathy with extrapyramidal signs. Review status: criteria provided, single submitter. Criteria: ACMG Guidelines, 2015. Collection method: clinical testing. Allele origin: germline. Inheritance: Autosomal recessive inheritance. Affected: yes. Observed: 1 compound heterozygote.
Comment: A Heterozygous Intron, Splice site acceptor variant c.1078-1G>C in Exon 10 of the MICU1 gene that results in the amino acid substitution was identified. The observed variant has a minor allele frequency of 0.00005% in gnomAD exomes and genomes, respectively. The severity of the impact of this variant on the protein is high, based on the effect of the protein and REVEL score. Rare Exome Variant Ensemble Learner (REVEL) is an ensembl method for predicting the pathogenicity of missense variants based on a combination of scores from 13 individual tools: MutPred, FATHMM v2.3, VEST 3.0, PolyPhen-2, SIFT, PROVEAN, MutationAssessor, MutationTaster, LRT, GERP++, SiPhy, phyloP, and phastCons. The REVEL score for an individual missense variant can range from 0 to 1, with higher scores reflecting greater likelihood that the variant is disease-causing. ClinVar has also classified this variant as Pathogenic (variant id: 101045). Based on the above evidence this variant has been classified as Pathogenic according to the ACMG guidelines.

OMIM
Classification: Pathogenic for MYOPATHY WITH EXTRAPYRAMIDAL SIGNS. Last evaluated: 2014-02-01. Review status: no assertion criteria provided. Collection method: literature only. Allele origin: germline. Not counted in ClinVar's aggregate classification.

Literature cited by the submitters: PubMed 24336167 (cited by OMIM).